The following is an entry in ClinVar:

ClinVar aggregate classification (germline): Likely benign (1 of 4 stars; one submission).

Conditions:
BBS4-related disorder. Also called: BBS4-related condition.

Submission:

PreventionGenetics, part of Exact Sciences
Classification: Likely benign for BBS4-related condition. Last evaluated: 2025-05-29. Review status: criteria provided, single submitter. Criteria: ACMG Guidelines, 2015. Collection method: clinical testing. Allele origin: germline.
Comment: This variant is classified as likely benign based on ACMG/AMP sequence variant interpretation guidelines (Richards et al. 2015 PMID: 25741868, with internal and published modifications).

NM_033028.5(BBS4):c.642+8A>C

Gene: BBS4 (Bardet-Biedl syndrome 4; plus strand). Cytogenetic location: 15q24.1.
Variant type: single nucleotide variant.
Coding change: c.642+8A>C on transcript NM_033028.5 (MANE Select); 8 bases into the intron after coding-DNA position 642, A replaced by C.
Molecular consequence: intron variant.
Genome position (GRCh38, 1-based): chr15:72,728,002, A>C. VCF-style: chr15-72728002-A-C. GRCh37 (hg19) VCF-style: chr15-73020343-A-C.
Other names: c.642+8A>C (NM_001320665.2); c.126+8A>C (NM_001252678.2).
Identifiers: ClinVar variation 4999330 (VCV004999330.1).